The following is an entry in ClinVar:

ClinVar aggregate classification (germline): Pathogenic (1 of 4 stars; one submission).

Conditions:
Inborn genetic diseases. Identifiers: MedGen C0950123, MeSH D030342.

Submission:

Ambry Genetics
Classification: Pathogenic for Inborn genetic diseases. Last evaluated: 2022-01-06. Review status: criteria provided, single submitter. Criteria: Ambry Variant Classification Scheme 2023. Collection method: clinical testing. Allele origin: germline.
Comment: The c.789dupC (p.R264Qfs*98) alteration, located in exon 6 (coding exon 5) of the INTS1 gene, consists of a duplication of C at position 789, causing a translational frameshift with a predicted alternate stop codon after 98 amino acids. This alteration is expected to result in loss of function by premature protein truncation or nonsense-mediated mRNA decay. Based on the available evidence, this alteration is classified as pathogenic.

NM_001080453.3(INTS1):c.789dup (p.Arg264fs)

Gene: INTS1 (integrator complex subunit 1; minus strand). Cytogenetic location: 7p22.3.
Variant type: Duplication.
Coding change: c.789dup on transcript NM_001080453.3 (MANE Select); coding-DNA position 789, one base duplicated (C; older notation c.789dupC).
Protein change: p.Arg264fs; shifts the reading frame from arginine 264.
Molecular consequence: frameshift variant.
Genome position (GRCh38, 1-based): chr7:1,499,528, G duplicated on the plus strand (C on the coding strand, the reverse complement: INTS1 is on the minus strand); the first of 6 consecutive G bases (chr7:1,499,528-1,499,533); duplicating any one gives the same sequence. VCF-style (leftmost placement, unchanged base first): chr7-1499527-T-TG. GRCh37 (hg19) VCF-style: chr7-1539163-T-TG.
Other names: short protein forms R264fs.
Identifiers: ClinVar variation 2264258 (VCV002264258.2), dbSNP rs765089897, ClinGen allele CA4120644.